The following is an entry in ClinVar:

ClinVar aggregate classification (germline): Uncertain significance. Review status: criteria provided, multiple submitters, no conflicts (2 of 4 stars). 3 submissions from 3 submitters: Uncertain significance (3). Last evaluated 2025-07-08.

Conditions:
Deficiency of butyryl-CoA dehydrogenase (ACADSD). Also called: SCAD DEFICIENCY, MILD; ACADS DEFICIENCY; Short-Chain Acyl-CoA Dehydrogenase Deficiency; ACYL-CoA DEHYDROGENASE, SHORT-CHAIN, DEFICIENCY OF; SCADH DEFICIENCY; SCAD Deficiency. Identifiers: Orphanet 26792, MedGen C0342783, MONDO:0008722, OMIM 201470. Disease mechanism: May be benign.

Allele frequency attached by ClinVar (database versions not stated): gnomAD 0.00003; TOPMed 0.00004.

Submissions (3):

Labcorp Genetics (formerly Invitae), Labcorp
Classification: Uncertain significance for Deficiency of butyryl-CoA dehydrogenase. Last evaluated: 2025-07-08. Review status: criteria provided, single submitter. Criteria: Invitae Variant Classification Sherloc (09022015). Collection method: clinical testing. Allele origin: germline.
Comment: This sequence change replaces alanine, which is neutral and non-polar, with serine, which is neutral and polar, at codon 170 of the ACADS protein (p.Ala170Ser). This variant is present in population databases (rs765604622, gnomAD 0.01%). This variant has not been reported in the literature in individuals affected with ACADS-related conditions. ClinVar contains an entry for this variant (Variation ID: 880758). Invitae Evidence Modeling of protein sequence and biophysical properties (such as structural, functional, and spatial information, amino acid conservation, physicochemical variation, residue mobility, and thermodynamic stability) indicates that this missense variant is expected to disrupt ACADS protein function with a positive predictive value of 95%. In summary, the available evidence is currently insufficient to determine the role of this variant in disease. Therefore, it has been classified as a Variant of Uncertain Significance.

Mayo Clinic Laboratories, Mayo Clinic
Classification: Uncertain significance. Last evaluated: 2025-06-18. Review status: criteria provided, single submitter. Criteria: ACMG Guidelines, 2015. Collection method: clinical testing. Allele origin: germline. Observed: 1 variant allele.
Comment: PP3_moderate

Illumina Laboratory Services, Illumina
Classification: Uncertain significance for Deficiency of butyryl-CoA dehydrogenase. Last evaluated: 2017-04-27. Review status: criteria provided, single submitter. Criteria: ICSL Variant Classification Criteria 13 December 2019. Collection method: clinical testing. Allele origin: germline.

NM_000017.4(ACADS):c.508G>T (p.Ala170Ser)

Gene: ACADS (acyl-CoA dehydrogenase short chain; plus strand). Cytogenetic location: 12q24.31.
Variant type: single nucleotide variant.
Coding change: c.508G>T on transcript NM_000017.4 (MANE Select); coding-DNA position 508, G replaced by T.
Protein change: p.Ala170Ser; replaces alanine 170 with serine.
Molecular consequence: missense variant. On other transcripts: intron variant (1).
Genome position (GRCh38, 1-based): chr12:120,737,872, G>T. VCF-style: chr12-120737872-G-T. GRCh37 (hg19) VCF-style: chr12-121175675-G-T.
Other names: p.Ala170Ser; c.473-177G>T (NM_001302554.2); short protein forms A170S.
Identifiers: ClinVar variation 880758 (VCV000880758.6), dbSNP rs765604622, ClinGen allele CA6830922.